The following is an entry in ClinVar:

NM_006206.6(PDGFRA):c.1073A>C (p.Glu358Ala)

Gene: PDGFRA (platelet derived growth factor receptor alpha; plus strand). Cytogenetic location: 4q12.
Variant type: single nucleotide variant.
Coding change: c.1073A>C on transcript NM_006206.6 (MANE Select); coding-DNA position 1073, A replaced by C.
Protein change: p.Glu358Ala; replaces glutamic acid 358 with alanine.
Molecular consequence: missense variant.
Genome position (GRCh38, 1-based): chr4:54,267,693, A>C. VCF-style: chr4-54267693-A-C. GRCh37 (hg19) VCF-style: chr4-55133860-A-C.
Other names: c.1073A>C, p.Glu358Ala (NM_001347827.2, NM_001347829.2); c.1148A>C, p.Glu383Ala (NM_001347828.2); c.1112A>C, p.Glu371Ala (NM_001347830.2); short protein forms E371A, E358A, E383A.
Identifiers: ClinVar variation 1907613 (VCV001907613.6), dbSNP rs2475456474, ClinGen allele CA356891736.

ClinVar aggregate classification (germline): Uncertain significance. Review status: criteria provided, multiple submitters, no conflicts (2 of 4 stars). 2 submissions from 2 submitters: Uncertain significance (2). Last evaluated 2024-04-22.

Conditions:
Hereditary cancer-predisposing syndrome. Also called: Neoplastic Syndromes, Hereditary; Hereditary neoplastic syndrome; Hereditary Cancer Syndrome; Tumor predisposition. Identifiers: Orphanet 140162, MedGen C0027672, MeSH D009386, MONDO:0015356.
Gastrointestinal stromal tumor. Also called: Gastrointestinal stromal tumor, somatic; Gastrointestinal stroma tumor. Identifiers: Orphanet 44890, MedGen C0238198, MeSH D046152, MONDO:0011719, OMIM 606764, HP:0100723.

Allele frequency attached by ClinVar (database versions not stated): gnomAD exomes below 0.00001.
gnomAD v4.1: 1 of 1,614,124 alleles (0.000062%); highest among the groups gnomAD compares: Non-Finnish European, 0.000085%; no homozygotes.

Submissions (2):

Labcorp Genetics (formerly Invitae), Labcorp
Classification: Uncertain significance for Gastrointestinal stromal tumor. Last evaluated: 2024-04-22. Review status: criteria provided, single submitter. Criteria: Invitae Variant Classification Sherloc (09022015). Collection method: clinical testing. Allele origin: germline.
Comment: This sequence change replaces glutamic acid, which is acidic and polar, with alanine, which is neutral and non-polar, at codon 358 of the PDGFRA protein (p.Glu358Ala). This variant is not present in population databases (gnomAD no frequency). This variant has not been reported in the literature in individuals affected with PDGFRA-related conditions. ClinVar contains an entry for this variant (Variation ID: 1907613). Advanced modeling of protein sequence and biophysical properties (such as structural, functional, and spatial information, amino acid conservation, physicochemical variation, residue mobility, and thermodynamic stability) performed at Invitae indicates that this missense variant is not expected to disrupt PDGFRA protein function with a negative predictive value of 80%. In summary, the available evidence is currently insufficient to determine the role of this variant in disease. Therefore, it has been classified as a Variant of Uncertain Significance.

Ambry Genetics
Classification: Uncertain significance for Hereditary cancer-predisposing syndrome. Last evaluated: 2024-02-02. Review status: criteria provided, single submitter. Criteria: Ambry Variant Classification Scheme 2023. Collection method: clinical testing. Allele origin: germline.
Comment: The p.E358A variant (also known as c.1073A>C), located in coding exon 6 of the PDGFRA gene, results from an A to C substitution at nucleotide position 1073. The glutamic acid at codon 358 is replaced by alanine, an amino acid with dissimilar properties. This amino acid position is conserved. In addition, this alteration is predicted to be tolerated by in silico analysis. Based on the available evidence, the clinical significance of this alteration remains unclear.